The following is an entry in ClinVar:

ClinVar aggregate classification (germline): Uncertain significance (1 of 4 stars; one submission).

Conditions:
PLA2G6-associated neurodegeneration (PLAN). Also called: phospholipase A2-associated neurodegeneration. Identifiers: Orphanet 329303, MedGen CN204472, MONDO:0017998.

Submission:

Broad Center for Mendelian Genomics, Broad Institute of MIT and Harvard
Classification: Uncertain significance for PLA2G6-associated neurodegeneration. Last evaluated: 2025-06-06. Review status: criteria provided, single submitter. Criteria: ACMG/ClinGen CNV Guidelines, 2019. Collection method: curation. Allele origin: unknown. Inheritance: Autosomal recessive inheritance.
Comment: The deletion in exon 3 of PLA2G6 was identified in an individual, in the compound heterozygous state with a variant of uncertain significance (VCV000159772.6), with PLA2G6-associated neurodegeneration (PMID: 21520282), and has been identified in 0.002% (1/59088) of European (non-Finnish) chromosomes by the Genome Aggregation Database (gnomAD). Although this variant has been seen in the general population in a heterozygous state, its frequency is low enough to be consistent with a recessive carrier frequency. This intragenic variant is not predicted to cause a frameshift, and is more likely to escape nonsense mediated decay (NMD) and result in a truncated protein. Loss of function of PLA2G6 is an established disease mechanism in autosomal recessive PLA2G6-associated neurodegeneration. In summary, while there is some suspicion for a pathogenic role, the clinical significance of this variant is uncertain. The ACMG/ClinGen evidence codes and points used in this curation are as follows: 1A: 0 points, 2E: 0.3 points, 3A: 0 points, 4E: 0.08 points, 5G: 0 points; Total: 0.38 points; Riggs 2020 (PMID: 31690835).

Literature cited by the submitters: PubMed 21520282.

Single allele

Genes: PLA2G6 (phospholipase A2 group VI; minus strand), LOC128772428 (melanoma risk locus-associated MPRA allelic enhancer 22:38561911; plus strand), LOC130067399 (ATAC-STARR-seq lymphoblastoid active region 18993; plus strand). Cytogenetic location: 22q13.1.
Variant type: Deletion.
Identifiers: ClinVar variation 4056472 (VCV004056472.1).